The following is an entry in ClinVar:

ClinVar aggregate classification (germline): Conflicting classifications of pathogenicity. Review status: criteria provided, conflicting classifications (1 of 4 stars). 2 submissions from 2 submitters: Uncertain significance (1); Likely benign (1). Last evaluated 2024-07-02.

Conditions:
Cornelia de Lange syndrome 1 (CDLS1). Also called: Brachmann de Lange syndrome; TYPUS DEGENERATIVUS AMSTELODAMENSIS; NIPBL-Related Cornelia de Lange Syndrome. Identifiers: Orphanet 199, MedGen C4551851, MONDO:0007387, OMIM 122470.
Inborn genetic diseases. Identifiers: MedGen C0950123, MeSH D030342.

Allele frequency attached by ClinVar (database versions not stated): ExAC 0.00001; gnomAD exomes 0.00001 and 0.00002; gnomAD 0.00002; TOPMed 0.00003.
gnomAD v4.1: 32 of 1,613,804 alleles (0.002%); highest among the groups gnomAD compares: Non-Finnish European, 0.0025%; no homozygotes.

Submissions (2):

Labcorp Genetics (formerly Invitae), Labcorp
Classification: Uncertain significance for Cornelia de Lange syndrome 1. Last evaluated: 2024-07-02. Review status: criteria provided, single submitter. Criteria: Invitae Variant Classification Sherloc (09022015). Collection method: clinical testing. Allele origin: germline.
Comment: This sequence change replaces arginine, which is basic and polar, with glycine, which is neutral and non-polar, at codon 839 of the NIPBL protein (p.Arg839Gly). This variant is present in population databases (rs780665254, gnomAD 0.007%). This variant has not been reported in the literature in individuals affected with NIPBL-related conditions. ClinVar contains an entry for this variant (Variation ID: 1493763). Advanced modeling of protein sequence and biophysical properties (such as structural, functional, and spatial information, amino acid conservation, physicochemical variation, residue mobility, and thermodynamic stability) performed at Invitae indicates that this missense variant is not expected to disrupt NIPBL protein function with a negative predictive value of 95%. In summary, the available evidence is currently insufficient to determine the role of this variant in disease. Therefore, it has been classified as a Variant of Uncertain Significance.

Ambry Genetics
Classification: Likely benign for Inborn genetic diseases. Last evaluated: 2023-06-16. Review status: criteria provided, single submitter. Criteria: Ambry Variant Classification Scheme 2023. Collection method: clinical testing. Allele origin: germline.

NM_133433.4(NIPBL):c.2515A>G (p.Arg839Gly)

Gene: NIPBL (NIPBL cohesin loading factor; plus strand). Cytogenetic location: 5p13.2.
Variant type: single nucleotide variant.
Coding change: c.2515A>G on transcript NM_133433.4 (MANE Select); coding-DNA position 2515, A replaced by G.
Protein change: p.Arg839Gly; replaces arginine 839 with glycine.
Molecular consequence: missense variant.
Genome position (GRCh38, 1-based): chr5:36,985,695, A>G. VCF-style: chr5-36985695-A-G. GRCh37 (hg19) VCF-style: chr5-36985797-A-G.
Other names: c.2515A>G, p.Arg839Gly (NM_015384.5); c.2515A>G (NM_133433.3); short protein forms R839G.
Identifiers: ClinVar variation 1493763 (VCV001493763.7), dbSNP rs780665254, ClinGen allele CA3236186.